The following is an entry in ClinVar:

ClinVar aggregate classification (germline): Uncertain significance. Review status: criteria provided, multiple submitters, no conflicts (2 of 4 stars). 2 submissions from 2 submitters: Uncertain significance (2). Last evaluated 2025-09-05.

Conditions:
Inborn genetic diseases. Identifiers: MedGen C0950123, MeSH D030342.
Congenital myasthenic syndrome 8. Also called: MYASTHENIC SYNDROME, CONGENITAL, DUE TO AGRIN DEFICIENCY; Myasthenic syndrome, congenital, 8, with pre- and postsynaptic defects. Identifiers: Orphanet 590, MedGen C3808739, MONDO:0014052, OMIM 615120.

Allele frequency attached by ClinVar (database versions not stated): gnomAD exomes below 0.00001; TOPMed below 0.00001; gnomAD 0.00001.
gnomAD v4.1: 9 of 1,612,148 alleles (0.00056%); highest among the groups gnomAD compares: Middle Eastern, 0.017%; no homozygotes.

Submissions (2):

Ambry Genetics
Classification: Uncertain significance for Inborn genetic diseases. Last evaluated: 2025-09-05. Review status: criteria provided, single submitter. Criteria: Ambry Variant Classification Scheme 2023. Collection method: clinical testing. Allele origin: germline.

Labcorp Genetics (formerly Invitae), Labcorp
Classification: Uncertain significance for Congenital myasthenic syndrome 8. Last evaluated: 2022-06-14. Review status: criteria provided, single submitter. Criteria: Invitae Variant Classification Sherloc (09022015). Collection method: clinical testing. Allele origin: germline.
Comment: This sequence change replaces asparagine, which is neutral and polar, with serine, which is neutral and polar, at codon 777 of the AGRN protein (p.Asn777Ser). This variant is present in population databases (no rsID available, gnomAD 0.003%). This variant has not been reported in the literature in individuals affected with AGRN-related conditions. Algorithms developed to predict the effect of missense changes on protein structure and function are either unavailable or do not agree on the potential impact of this missense change (SIFT: "Deleterious"; PolyPhen-2: "Benign"; Align-GVGD: "Class C0"). In summary, the available evidence is currently insufficient to determine the role of this variant in disease. Therefore, it has been classified as a Variant of Uncertain Significance.

NM_198576.4(AGRN):c.2330A>G (p.Asn777Ser)

Gene: AGRN (agrin; plus strand). Cytogenetic location: 1p36.33.
Variant type: single nucleotide variant.
Coding change: c.2330A>G on transcript NM_198576.4 (MANE Select); coding-DNA position 2330, A replaced by G.
Protein change: p.Asn777Ser; replaces asparagine 777 with serine.
Molecular consequence: missense variant.
Genome position (GRCh38, 1-based): chr1:1,045,236, A>G. VCF-style: chr1-1045236-A-G. GRCh37 (hg19) VCF-style: chr1-980616-A-G.
Other names: c.2330A>G, p.Asn777Ser (NM_001305275.2); c.2015A>G, p.Asn672Ser (NM_001364727.2); c.2330A>G (NM_198576.3); short protein forms N672S, N777S.
Identifiers: ClinVar variation 2157660 (VCV002157660.5), dbSNP rs1455963259, ClinGen allele CA337838746.